The following is an entry in ClinVar:

ClinVar aggregate classification (germline): Conflicting classifications of pathogenicity. Review status: criteria provided, conflicting classifications (1 of 4 stars). 5 submissions from 5 submitters: Uncertain significance (4); Benign (1). Last evaluated 2025-05-08.

Conditions:
Isolated focal cortical dysplasia type II (FCORD2). Also called: Focal cortical dysplasia type II; CORTICAL DYSPLASIA OF TAYLOR. Identifiers: Orphanet 268994, MedGen C1846385, MONDO:0011818, OMIM 607341, HP:0032051.
Tuberous sclerosis 1 (TSC1). Identifiers: Orphanet 805, MedGen C1854465, MONDO:0008612, OMIM 191100.
Hereditary cancer-predisposing syndrome. Also called: Hereditary Cancer Syndrome; Neoplastic Syndromes, Hereditary; Hereditary neoplastic syndrome; Tumor predisposition. Identifiers: Orphanet 140162, MedGen C0027672, MeSH D009386, MONDO:0015356.

Allele frequency attached by ClinVar (database versions not stated): gnomAD exomes below 0.00001.
gnomAD v4.1: 5 of 1,613,652 alleles (0.00031%); highest among the groups gnomAD compares: Non-Finnish European, 0.00034%; no homozygotes.

Submissions (5):

Ambry Genetics
Classification: Uncertain significance for Hereditary cancer-predisposing syndrome. Last evaluated: 2025-05-08. Review status: criteria provided, single submitter. Criteria: Ambry Variant Classification Scheme 2023. Collection method: clinical testing. Allele origin: germline.
Comment: The p.R706H variant (also known as c.2117G>A), located in coding exon 15 of the TSC1 gene, results from a G to A substitution at nucleotide position 2117. The arginine at codon 706 is replaced by histidine, an amino acid with highly similar properties. This amino acid position is highly conserved in available vertebrate species. In addition, this alteration is predicted to be deleterious by in silico analysis. Based on the available evidence, the clinical significance of this variant remains unclear.

Labcorp Genetics (formerly Invitae), Labcorp
Classification: Benign for Tuberous sclerosis 1. Last evaluated: 2025-04-29. Review status: criteria provided, single submitter. Criteria: Invitae Variant Classification Sherloc (09022015). Collection method: clinical testing. Allele origin: germline.

GeneDx
Classification: Uncertain significance. Last evaluated: 2024-02-12. Review status: criteria provided, single submitter. Criteria: GeneDx Variant Classification Process June 2021. Collection method: clinical testing. Allele origin: germline. Affected: yes.
Comment: Not observed at significant frequency in large population cohorts (gnomAD); In silico analysis supports that this missense variant has a deleterious effect on protein structure/function; Has not been previously published as pathogenic or benign to our knowledge

Baylor Genetics
Classification: Uncertain significance for Isolated focal cortical dysplasia type II. Last evaluated: 2023-08-21. Review status: criteria provided, single submitter. Criteria: ACMG Guidelines, 2015. Collection method: clinical testing. Allele origin: unknown.

Genome-Nilou Lab
Classification: Uncertain significance for Tuberous sclerosis 1. Last evaluated: 2021-11-07. Review status: criteria provided, single submitter. Criteria: ACMG Guidelines, 2015. Collection method: clinical testing. Allele origin: germline. Affected: no.

NM_000368.5(TSC1):c.2117G>A (p.Arg706His)

Gene: TSC1 (TSC complex subunit 1; minus strand). Cytogenetic location: 9q34.13.
Variant type: single nucleotide variant.
Coding change: c.2117G>A on transcript NM_000368.5 (MANE Select); coding-DNA position 2117, G replaced by A.
Protein change: p.Arg706His; replaces arginine 706 with histidine.
Molecular consequence: missense variant.
Genome position (GRCh38, 1-based): chr9:132,903,742, C>T on the plus strand (G>A on the coding strand, the complement: TSC1 is on the minus strand). VCF-style: chr9-132903742-C-T. GRCh37 (hg19) VCF-style: chr9-135779129-C-T.
Other names: c.2114G>A, p.Arg705His (NM_001162426.2); c.1964G>A, p.Arg655His (NM_001162427.2); c.1754G>A, p.Arg585His (NM_001362177.2); short protein forms R585H, R705H, R655H, R706H.
Identifiers: ClinVar variation 820652 (VCV000820652.21), dbSNP rs1588304158, ClinGen allele CA375361015.